The following is an entry in ClinVar:

ClinVar aggregate classification (germline): Pathogenic (1 of 4 stars; one submission).

gnomAD v4.1: 2 of 1,613,346 alleles (0.00012%); highest among the groups gnomAD compares: South Asian, 0.0011%; no homozygotes.

Submission:

GeneDx
Classification: Pathogenic. Last evaluated: 2023-05-02. Review status: criteria provided, single submitter. Criteria: GeneDx Variant Classification Process June 2021. Collection method: clinical testing. Allele origin: germline. Affected: yes.
Comment: Nonsense variant predicted to result in protein truncation or nonsense mediated decay in a gene for which loss of function is a known mechanism of disease; Not observed at significant frequency in large population cohorts (gnomAD); This variant is associated with the following publications: (PMID: 36473599, 35568137)

NM_152906.7(TANGO2):c.120G>A (p.Trp40Ter)

Gene: TANGO2 (transport and golgi organization 2 homolog; plus strand). Cytogenetic location: 22q11.21.
Variant type: single nucleotide variant.
Coding change: c.120G>A on transcript NM_152906.7 (MANE Select); coding-DNA position 120, G replaced by A.
Protein change: p.Trp40Ter; replaces tryptophan 40 with a stop codon.
Molecular consequence: nonsense. On other transcripts: 5 prime UTR variant (12), non-coding transcript variant (5).
Genome position (GRCh38, 1-based): chr22:20,043,418, G>A. VCF-style: chr22-20043418-G-A. GRCh37 (hg19) VCF-style: chr22-20030941-G-A.
Other names: c.120G>A, p.Trp40Ter (NM_001283106.3, NM_001283116.3, NM_001283148.3 and 10 more transcripts); c.243G>A, p.Trp81Ter (NM_001283129.3, NM_001283215.3, NM_001322141.2 and 5 more transcripts); c.-60G>A (NM_001283235.3, NM_001322146.2, NM_001322148.2 and 9 more transcripts); short protein forms W40*, W81*.
Identifiers: ClinVar variation 3343270 (VCV003343270.1).
Genomic context (GRCh38, chr22:20,043,418, plus strand): 5'-CATCTTGGCAGCCAACAGGGATGAATTCTACAGCCGACCCTCCAAGTTAGCTGACTTCTG[G>A]GGGAACAACAACGAGATCCTCAGTGGTGAGTCTTCCTGCGTGCTCAGCGGTGGCTGCGCC-3'